The following is an entry in ClinVar:

NM_001378120.1(MBD5):c.3971C>T (p.Ala1324Val)

Gene: MBD5 (methyl-CpG binding domain protein 5; plus strand). Cytogenetic location: 2q23.1.
Variant type: single nucleotide variant.
Coding change: c.3971C>T on transcript NM_001378120.1 (MANE Select); coding-DNA position 3971, C replaced by T.
Protein change: p.Ala1324Val; replaces alanine 1324 with valine.
Molecular consequence: missense variant.
Genome position (GRCh38, 1-based): chr2:148,489,603, C>T. VCF-style: chr2-148489603-C-T. GRCh37 (hg19) VCF-style: chr2-149247172-C-T.
Other names: c.3272C>T, p.Ala1091Val (NM_018328.5); short protein forms A1091V, A1324V.
Identifiers: ClinVar variation 3054558 (VCV003054558.2), dbSNP rs2470021440, ClinGen allele CA348727604.

ClinVar aggregate classification (germline): Uncertain significance (0 of 4 stars; one submission).

Conditions:
MBD5-related disorder. Also called: MBD5-related condition.

Allele frequency attached by ClinVar (database versions not stated): gnomAD exomes below 0.00001.
gnomAD v4.1: 2 of 1,614,168 alleles (0.00012%); highest among the groups gnomAD compares: Non-Finnish European, 0.00017%; no homozygotes.

Submission:

PreventionGenetics, part of Exact Sciences
Classification: Uncertain significance for MBD5-related condition. Last evaluated: 2023-11-21. Review status: no assertion criteria provided. Collection method: clinical testing. Allele origin: germline.
Comment: The MBD5 c.3272C>T variant is predicted to result in the amino acid substitution p.Ala1091Val. To our knowledge, this variant has not been reported in the literature or in a large population database, indicating this variant is rare. At this time, the clinical significance of this variant is uncertain due to the absence of conclusive functional and genetic evidence.